The following is an entry in ClinVar:

ClinVar aggregate classification (germline): Uncertain significance. Review status: criteria provided, multiple submitters, no conflicts (2 of 4 stars). 2 submissions from 2 submitters: Uncertain significance (2). Last evaluated 2024-11-20.

Conditions:
Inborn genetic diseases. Identifiers: MedGen C0950123, MeSH D030342.
Congenital myasthenic syndrome 8. Also called: MYASTHENIC SYNDROME, CONGENITAL, DUE TO AGRIN DEFICIENCY; Myasthenic syndrome, congenital, 8, with pre- and postsynaptic defects. Identifiers: Orphanet 590, MedGen C3808739, MONDO:0014052, OMIM 615120.

Allele frequency attached by ClinVar (database versions not stated): gnomAD exomes 0.00004 and 0.00005; ExAC 0.00008; ESP Exome Variant Server 0.00008; gnomAD 0.00009 and 0.00010; TOPMed 0.00010.
gnomAD v4.1: 81 of 1,565,064 alleles (0.0052%); highest among the groups gnomAD compares: African/African-American, 0.014%; no homozygotes.

Submissions (2):

Ambry Genetics
Classification: Uncertain significance for Inborn genetic diseases. Last evaluated: 2024-11-20. Review status: criteria provided, single submitter. Criteria: Ambry Variant Classification Scheme 2023. Collection method: clinical testing. Allele origin: germline.

Labcorp Genetics (formerly Invitae), Labcorp
Classification: Uncertain significance for Congenital myasthenic syndrome 8. Last evaluated: 2022-05-03. Review status: criteria provided, single submitter. Criteria: Invitae Variant Classification Sherloc (09022015). Collection method: clinical testing. Allele origin: germline.
Comment: This sequence change replaces arginine, which is basic and polar, with cysteine, which is neutral and slightly polar, at codon 1776 of the AGRN protein (p.Arg1776Cys). This variant is present in population databases (rs146978562, gnomAD 0.01%). This variant has not been reported in the literature in individuals affected with AGRN-related conditions. ClinVar contains an entry for this variant (Variation ID: 860354). Algorithms developed to predict the effect of missense changes on protein structure and function are either unavailable or do not agree on the potential impact of this missense change (SIFT: "Deleterious"; PolyPhen-2: "Probably Damaging"; Align-GVGD: "Class C0"). In summary, the available evidence is currently insufficient to determine the role of this variant in disease. Therefore, it has been classified as a Variant of Uncertain Significance.

NM_198576.4(AGRN):c.5326C>T (p.Arg1776Cys)

Gene: AGRN (agrin; plus strand). Cytogenetic location: 1p36.33.
Variant type: single nucleotide variant.
Coding change: c.5326C>T on transcript NM_198576.4 (MANE Select); coding-DNA position 5326, C replaced by T.
Protein change: p.Arg1776Cys; replaces arginine 1776 with cysteine.
Molecular consequence: missense variant.
Genome position (GRCh38, 1-based): chr1:1,051,325, C>T. VCF-style: chr1-1051325-C-T. GRCh37 (hg19) VCF-style: chr1-986705-C-T.
Other names: c.5338C>T, p.Arg1780Cys (NM_001305275.2); c.5023C>T, p.Arg1675Cys (NM_001364727.2); short protein forms R1675C, R1776C, R1780C.
Identifiers: ClinVar variation 860354 (VCV000860354.9), dbSNP rs146978562, ClinGen allele CA509983.